The following is an entry in ClinVar:

NM_000350.3(ABCA4):c.4026G>A (p.Pro1342=)

Gene: ABCA4 (ATP binding cassette subfamily A member 4; minus strand). Cytogenetic location: 1p22.1.
Variant type: single nucleotide variant.
Coding change: c.4026G>A on transcript NM_000350.3 (MANE Select); coding-DNA position 4026, G replaced by A.
Protein change: p.Pro1342=; no amino-acid change (proline 1342 retained).
Molecular consequence: synonymous variant.
Genome position (GRCh38, 1-based): chr1:94,031,880, C>T on the plus strand (G>A on the coding strand, the complement: ABCA4 is on the minus strand). VCF-style: chr1-94031880-C-T. GRCh37 (hg19) VCF-style: chr1-94497436-C-T.
Other names: c.3804G>A, p.Pro1268= (NM_001425324.1).
Identifiers: ClinVar variation 1650758 (VCV001650758.11), dbSNP rs769291698, ClinGen allele CA957743.

ClinVar aggregate classification (germline): Likely benign. Review status: criteria provided, multiple submitters, no conflicts (2 of 4 stars). 3 submissions from 3 submitters: Likely benign (2). 1 of the submissions does not count toward it. Last evaluated 2026-01-01.

Conditions:
ABCA4-related disorder. Also called: ABCA4-related disorders; ABCA4-related condition. Identifiers: MedGen CN239167.

Allele frequency attached by ClinVar (database versions not stated): gnomAD exomes 0.00003; ExAC 0.00004; gnomAD 0.00011 and 0.00012; TOPMed 0.00011.
gnomAD v4.1: 63 of 1,614,056 alleles (0.0039%); highest among the groups gnomAD compares: East Asian, 0.031%; no homozygotes.

Submissions (3):

Labcorp Genetics (formerly Invitae), Labcorp
Classification: Likely benign. Last evaluated: 2026-01-01. Review status: criteria provided, single submitter. Criteria: Invitae Variant Classification Sherloc (09022015). Collection method: clinical testing. Allele origin: germline.

Blueprint Genetics
Classification: Likely benign. Last evaluated: 2024-02-28. Review status: criteria provided, single submitter. Criteria: ACMG Guidelines, 2015. Collection method: clinical testing. Allele origin: germline.

PreventionGenetics, part of Exact Sciences
Classification: Likely benign for ABCA4-related condition. Last evaluated: 2020-11-06. Review status: no assertion criteria provided. Collection method: clinical testing. Allele origin: germline. Not counted in ClinVar's aggregate classification.
Comment: This variant is classified as likely benign based on ACMG/AMP sequence variant interpretation guidelines (Richards et al. 2015 PMID: 25741868, with internal and published modifications).